The following is an entry in ClinVar:

ClinVar aggregate classification (germline): Conflicting classifications of pathogenicity. Review status: criteria provided, conflicting classifications (1 of 4 stars). 2 submissions from 2 submitters: Uncertain significance (1); Likely benign (1). Last evaluated 2023-12-20.

Conditions:
Inborn genetic diseases. Identifiers: MedGen C0950123, MeSH D030342.

Allele frequency attached by ClinVar (database versions not stated): ExAC 0.00003; TOPMed 0.00004; gnomAD 0.00005; ESP Exome Variant Server 0.00008; gnomAD exomes 0.00008.
gnomAD v4.1: 125 of 1,612,960 alleles (0.0077%); highest among the groups gnomAD compares: Middle Eastern, 0.016%; no homozygotes.

Submissions (2):

Ambry Genetics
Classification: Likely benign for Inborn genetic diseases. Last evaluated: 2023-12-20. Review status: criteria provided, single submitter. Criteria: Ambry Variant Classification Scheme 2023. Collection method: clinical testing. Allele origin: germline.

Labcorp Genetics (formerly Invitae), Labcorp
Classification: Uncertain significance. Last evaluated: 2022-08-15. Review status: criteria provided, single submitter. Criteria: Invitae Variant Classification Sherloc (09022015). Collection method: clinical testing. Allele origin: germline.
Comment: This sequence change replaces asparagine, which is neutral and polar, with serine, which is neutral and polar, at codon 1221 of the RTTN protein (p.Asn1221Ser). This variant is present in population databases (rs372388997, gnomAD 0.01%). This variant has not been reported in the literature in individuals affected with RTTN-related conditions. Algorithms developed to predict the effect of missense changes on protein structure and function output the following: SIFT: "Tolerated"; PolyPhen-2: "Benign"; Align-GVGD: "Class C0". The serine amino acid residue is found in multiple mammalian species, which suggests that this missense change does not adversely affect protein function. In summary, the available evidence is currently insufficient to determine the role of this variant in disease. Therefore, it has been classified as a Variant of Uncertain Significance.

NM_173630.4(RTTN):c.3662A>G (p.Asn1221Ser)

Gene: RTTN (rotatin; minus strand). Cytogenetic location: 18q22.2.
Variant type: single nucleotide variant.
Coding change: c.3662A>G on transcript NM_173630.4 (MANE Select); coding-DNA position 3662, A replaced by G.
Protein change: p.Asn1221Ser; replaces asparagine 1221 with serine.
Molecular consequence: missense variant.
Genome position (GRCh38, 1-based): chr18:70,114,466, T>C on the plus strand (A>G on the coding strand, the complement: RTTN is on the minus strand). VCF-style: chr18-70114466-T-C. GRCh37 (hg19) VCF-style: chr18-67781702-T-C.
Other names: c.926A>G, p.Asn309Ser (NM_001318520.2); c.3662A>G (NM_173630.3); short protein forms N309S, N1221S.
Identifiers: ClinVar variation 1902077 (VCV001902077.3), dbSNP rs372388997, ClinGen allele CA8995537.